The following is an entry in ClinVar:

NM_000026.4(ADSL):c.1325A>C (p.His442Pro)

Gene: ADSL (adenylosuccinate lyase; plus strand). Cytogenetic location: 22q13.1.
Variant type: single nucleotide variant.
Coding change: c.1325A>C on transcript NM_000026.4 (MANE Select); coding-DNA position 1325, A replaced by C.
Protein change: p.His442Pro; replaces histidine 442 with proline.
Molecular consequence: missense variant. On other transcripts: non-coding transcript variant (1), intron variant (2).
Genome position (GRCh38, 1-based): chr22:40,365,013, A>C. VCF-style: chr22-40365013-A-C. GRCh37 (hg19) VCF-style: chr22-40761017-A-C.
Other names: c.1133A>C, p.His378Pro (NM_001317923.2); c.1325A>C, p.His442Pro (NM_001363840.3, NM_001410812.1); c.1280A>C, p.His427Pro (NM_001410814.1); c.1191+648A>C (NM_001123378.3, NM_001410816.1); short protein forms H378P, H427P, H442P.
Identifiers: ClinVar variation 4529557 (VCV004529557.1).

ClinVar aggregate classification (germline): Uncertain significance (1 of 4 stars; one submission).

Submission:

GeneDx
Classification: Uncertain significance. Last evaluated: 2025-05-13. Review status: criteria provided, single submitter. Criteria: GeneDx Variant Classification Process June 2021. Collection method: clinical testing. Allele origin: germline. Affected: yes.
Comment: Not observed at significant frequency in large population cohorts (gnomAD); In silico analysis suggests that this missense variant does not alter protein structure/function; Has not been previously published as pathogenic or benign to our knowledge